The following is an entry in ClinVar:

NM_012062.5(DNM1L):c.103-215C>T

Gene: DNM1L (dynamin 1 like; plus strand). Cytogenetic location: 12p11.21.
Variant type: single nucleotide variant.
Coding change: c.103-215C>T on transcript NM_012062.5 (MANE Select); 215 bases into the intron before coding-DNA position 103, C replaced by T.
Molecular consequence: intron variant.
Genome position (GRCh38, 1-based): chr12:32,701,200, C>T. VCF-style: chr12-32701200-C-T. GRCh37 (hg19) VCF-style: chr12-32854134-C-T.
Other names: c.103-215C>T (NM_001278464.2, NM_001278465.2, NM_001330380.2 and 3 more transcripts); c.-103-215C>T (NM_001278466.2).
Identifiers: ClinVar variation 680941 (VCV000680941.1), dbSNP rs190425685, ClinGen allele CA235235556.

ClinVar aggregate classification (germline): Likely benign (1 of 4 stars; one submission).

Allele frequency attached by ClinVar (database versions not stated): gnomAD 0.01252 and 0.01254; TOPMed 0.01327; 1000 Genomes Project 0.01737; 1000 Genomes Project 30x 0.01811.
gnomAD v4.1: 1,896 of 151,244 alleles (1.3%); highest among the groups gnomAD compares: African/African-American, 3.5%; 40 homozygotes.

Submission:

GeneDx
Classification: Likely benign. Last evaluated: 2018-06-14. Review status: criteria provided, single submitter. Criteria: GeneDx Variant Classification (06012015). Collection method: clinical testing. Allele origin: germline. Affected: yes.
Comment: This variant is considered likely benign or benign based on one or more of the following criteria: it is a conservative change, it occurs at a poorly conserved position in the protein, it is predicted to be benign by multiple in silico algorithms, and/or has population frequency not consistent with disease.